The following is an entry in ClinVar:

ClinVar aggregate classification (germline): Likely benign (1 of 4 stars; one submission).

Submission:

CeGaT Center for Human Genetics Tuebingen
Classification: Likely benign. Last evaluated: 2023-01-01. Review status: criteria provided, single submitter. Criteria: CeGaT Center For Human Genetics Tuebingen Variant Classification Criteria Version 2. Collection method: clinical testing. Allele origin: germline. Affected: yes. Observed: 1 variant allele.
Comment: TGM6: BP4, BP7

NM_198994.3(TGM6):c.612A>C (p.Pro204=)

Gene: TGM6 (transglutaminase 6; plus strand). Cytogenetic location: 20p13.
Variant type: single nucleotide variant.
Coding change: c.612A>C on transcript NM_198994.3 (MANE Select); coding-DNA position 612, A replaced by C.
Protein change: p.Pro204=; no amino-acid change (proline 204 retained).
Molecular consequence: synonymous variant.
Genome position (GRCh38, 1-based): chr20:2,397,986, A>C. VCF-style: chr20-2397986-A-C. GRCh37 (hg19) VCF-style: chr20-2378632-A-C.
Other names: c.612A>C, p.Pro204= (NM_001254734.2).
Identifiers: ClinVar variation 2652144 (VCV002652144.24), dbSNP rs2084680476, ClinGen allele CA509386209.